The following is an entry in ClinVar:

NM_001166108.2(PALLD):c.1022G>A (p.Arg341His)

Gene: PALLD (palladin, cytoskeletal associated protein; plus strand). Cytogenetic location: 4q32.3.
Variant type: single nucleotide variant.
Coding change: c.1022G>A on transcript NM_001166108.2 (MANE Select); coding-DNA position 1022, G replaced by A.
Protein change: p.Arg341His; replaces arginine 341 with histidine.
Molecular consequence: missense variant. On other transcripts: 5 prime UTR variant (1).
Genome position (GRCh38, 1-based): chr4:168,668,303, G>A. VCF-style: chr4-168668303-G-A. GRCh37 (hg19) VCF-style: chr4-169589454-G-A.
Other names: c.-125G>A (NM_001166109.2); c.1022G>A, p.Arg341His (NM_016081.4); short protein forms R341H.
Identifiers: ClinVar variation 3388179 (VCV003388179.14).

ClinVar aggregate classification (germline): Likely benign (1 of 4 stars; one submission).

gnomAD v4.1: 197 of 1,613,462 alleles (0.012%); highest among the groups gnomAD compares: Non-Finnish European, 0.016%; no homozygotes.

Submission:

CeGaT Center for Human Genetics Tuebingen
Classification: Likely benign. Last evaluated: 2024-10-01. Review status: criteria provided, single submitter. Criteria: CeGaT Center For Human Genetics Tuebingen Variant Classification Criteria Version 2. Collection method: clinical testing. Allele origin: germline. Affected: yes. Observed: 1 variant allele.
Comment: PALLD: BP4